The following is an entry in ClinVar:

NM_001754.5(RUNX1):c.-67G>A

Gene: RUNX1 (RUNX family transcription factor 1; minus strand). Cytogenetic location: 21q22.12.
Variant type: single nucleotide variant.
Coding change: c.-67G>A on transcript NM_001754.5 (MANE Select); 67 bases upstream of the start codon, G replaced by A.
Molecular consequence: 5 prime UTR variant.
Genome position (GRCh38, 1-based): chr21:35,049,175, C>T on the plus strand (G>A on the coding strand, the complement: RUNX1 is on the minus strand). VCF-style: chr21-35049175-C-T. GRCh37 (hg19) VCF-style: chr21-36421472-C-T.
Identifiers: ClinVar variation 339880 (VCV000339880.6), dbSNP rs886057048, ClinGen allele CA10650446.

ClinVar aggregate classification (germline): Uncertain significance. Review status: reviewed by expert panel (3 of 4 stars). 2 submissions from 2 submitters: Uncertain significance (1). 1 of the submissions does not count toward it. Last evaluated 2024-11-13.

Conditions:
Hereditary thrombocytopenia and hematologic cancer predisposition syndrome. Identifiers: Orphanet 71290, MedGen CN281654, MONDO:0011071.
Hereditary thrombocytopenia and hematological cancer predisposition syndrome associated with RUNX1. Also called: PLATELET DISORDER, ASPIRIN-LIKE; RUNX1 Familial Platelet Disorder with Associated Myeloid Malignancies; Familial Platelet Disorder with Propensity to Acute Myelogenous Leukemia; Familial thrombocytopenia with propensity to acute myelogenous leukemia. Identifiers: Orphanet 71290, MedGen C1832388, MeSH C563324, MONDO:0100083, OMIM 601399.

gnomAD v4.1: 5 of 466,000 alleles (0.0011%); highest among the groups gnomAD compares: East Asian, 0.0078%; no homozygotes.

Submissions (2):

ClinGen Myeloid Malignancy Variant Curation Expert Panel
Classification: Uncertain significance for Hereditary thrombocytopenia and hematologic cancer predisposition syndrome. Last evaluated: 2024-11-13. Review status: reviewed by expert panel. Criteria: ClinGen MyeloMalig ACMG Specifications v2. Collection method: curation. Allele origin: germline. Inheritance: Autosomal dominant inheritance.
Comment: NM_001754.5(RUNX1):c.-67G>A is a 3' UTR variant which does not meet any ACMG/AMP criteria. In summary, the clinical significance of this variant is uncertain. ACMG/AMP criteria applied, as specified by the Myeloid Malignancy Variant Curation Expert Panel for RUNX1: None.

Illumina Laboratory Services, Illumina
Classification: Uncertain significance for Hereditary thrombocytopenia and hematological cancer predisposition syndrome associated with RUNX1. Last evaluated: 2018-01-13. Review status: criteria provided, single submitter. Criteria: ICSL Variant Classification Criteria 13 December 2019. Collection method: clinical testing. Allele origin: germline. Not counted in ClinVar's aggregate classification.